The following is an entry in ClinVar:

ClinVar aggregate classification (germline): Pathogenic (1 of 4 stars; one submission).

Conditions:
Duchenne muscular dystrophy (DMD). Also called: Duchenne Muscular Dystrophy (DMD); MUSCULAR DYSTROPHY, PSEUDOHYPERTROPHIC PROGRESSIVE, DUCHENNE TYPE. Identifiers: Orphanet 98896, MedGen C0013264, MONDO:0010679, OMIM 310200.

Submission:

Labcorp Genetics (formerly Invitae), Labcorp
Classification: Pathogenic for Duchenne muscular dystrophy. Last evaluated: 2022-09-13. Review status: criteria provided, single submitter. Criteria: Invitae Variant Classification Sherloc (09022015). Collection method: clinical testing. Allele origin: germline.
Comment: For these reasons, this variant has been classified as Pathogenic. This variant has not been reported in the literature in individuals affected with DMD-related conditions. This variant is a gross deletion of the genomic region encompassing exon(s) 49-63 of the DMD gene. This deletion is out-of-frame, and is expected to create a premature termination codon and result in an absent or disrupted protein product. Loss-of-function variants in DMD are known to be pathogenic (PMID: 16770791, 25007885).

Literature cited by the submitters: PubMed 16770791; PubMed 25007885.

NC_000023.10:g.(?_31279052)_(31854956_?)del

Gene: DMD (dystrophin; minus strand). Cytogenetic location: Xp21.2-21.1.
Variant type: Deletion.
Identifiers: ClinVar variation 2424919 (VCV002424919.5).